The following is an entry in ClinVar:

ClinVar aggregate classification (germline): Uncertain significance. Review status: criteria provided, multiple submitters, no conflicts (2 of 4 stars). 2 submissions from 2 submitters: Uncertain significance (2). Last evaluated 2024-04-23.

Allele frequency attached by ClinVar (database versions not stated): ExAC 0.00004; gnomAD 0.00007 and 0.00008; ESP Exome Variant Server 0.00008; TOPMed 0.00008.
gnomAD v4.1: 93 of 1,613,906 alleles (0.0058%); highest among the groups gnomAD compares: Middle Eastern, 0.016%; no homozygotes.

Submissions (2):

Blueprint Genetics
Classification: Uncertain significance. Last evaluated: 2024-04-23. Review status: criteria provided, single submitter. Criteria: ACMG Guidelines, 2015. Collection method: clinical testing. Allele origin: germline.

Labcorp Genetics (formerly Invitae), Labcorp
Classification: Uncertain significance. Last evaluated: 2022-09-24. Review status: criteria provided, single submitter. Criteria: Invitae Variant Classification Sherloc (09022015). Collection method: clinical testing. Allele origin: germline.
Comment: This sequence change replaces arginine, which is basic and polar, with glutamine, which is neutral and polar, at codon 359 of the IDH3B protein (p.Arg359Gln). This variant is present in population databases (rs151027738, gnomAD 0.009%). This variant has not been reported in the literature in individuals affected with IDH3B-related conditions. ClinVar contains an entry for this variant (Variation ID: 855370). Advanced modeling of protein sequence and biophysical properties (such as structural, functional, and spatial information, amino acid conservation, physicochemical variation, residue mobility, and thermodynamic stability) performed at Invitae indicates that this missense variant is not expected to disrupt IDH3B protein function. Algorithms developed to predict the effect of sequence changes on RNA splicing suggest that this variant may create or strengthen a splice site. In summary, the available evidence is currently insufficient to determine the role of this variant in disease. Therefore, it has been classified as a Variant of Uncertain Significance.

NM_006899.5(IDH3B):c.1076G>A (p.Arg359Gln)

Gene: IDH3B (isocitrate dehydrogenase (NAD(+)) 3 non-catalytic subunit beta; minus strand). Cytogenetic location: 20p13.
Variant type: single nucleotide variant.
Coding change: c.1076G>A on transcript NM_006899.5 (MANE Select); coding-DNA position 1076, G replaced by A.
Protein change: p.Arg359Gln; replaces arginine 359 with glutamine.
Molecular consequence: missense variant. On other transcripts: non-coding transcript variant (1), intron variant (1).
Genome position (GRCh38, 1-based): chr20:2,658,833, C>T on the plus strand (G>A on the coding strand, the complement: IDH3B is on the minus strand). VCF-style: chr20-2658833-C-T. GRCh37 (hg19) VCF-style: chr20-2639479-C-T.
Other names: c.1076G>A, p.Arg359Gln (NM_001330763.2); c.1072-311G>A (NM_174855.4); short protein forms R359Q.
Identifiers: ClinVar variation 855370 (VCV000855370.6), dbSNP rs151027738, ClinGen allele CA9735059.